The following is an entry in ClinVar:

NM_002528.7(NTHL1):c.446G>C (p.Arg149Pro)

Gene: NTHL1 (nth like DNA glycosylase 1; minus strand). Cytogenetic location: 16p13.3.
Variant type: single nucleotide variant.
Coding change: c.446G>C on transcript NM_002528.7 (MANE Select); coding-DNA position 446, G replaced by C.
Protein change: p.Arg149Pro; replaces arginine 149 with proline.
Molecular consequence: missense variant. On other transcripts: intron variant (1).
Genome position (GRCh38, 1-based): chr16:2,044,709, C>G on the plus strand (G>C on the coding strand, the complement: NTHL1 is on the minus strand). VCF-style: chr16-2044709-C-G. GRCh37 (hg19) VCF-style: chr16-2094710-C-G.
Other names: c.446G>C, p.Arg149Pro (LRG_1366t1); c.116G>C, p.Arg39Pro (NM_001318194.2); c.355-983G>C (NM_001318193.2); short protein forms R149P, R39P.
Identifiers: ClinVar variation 660301 (VCV000660301.17), dbSNP rs150437839, ClinGen allele CA7828254.
Genomic context (GRCh38, chr16:2,044,709, plus strand): 5'-TAGATGAGCTTGCCCAGCGTGGCATCATCTGTCTGCAGGATGCTGTCCACCGTCAGGCCC[C>G]GCGCCCGCAGTCGCTGCATGGCGCCCGCCGTCACCTGGTCTTTGGTTTGGCTGGAGAGCA-3'
Protein context (NP_002519.2, residues 139-159): TAGAMQRLRA[Arg149Pro]GLTVDSILQT

ClinVar aggregate classification (germline): Conflicting classifications of pathogenicity. Review status: criteria provided, conflicting classifications (1 of 4 stars). 5 submissions from 5 submitters: Uncertain significance (4); Likely benign (1). Last evaluated 2026-01-27.

Conditions:
Familial adenomatous polyposis 3. Also called: NTHL1-Related Adenomatous Polyposis and Colorectal Cancer; NTHL1-associated polyposis; NTHL1-related attenuated familial adenomatous polyposis; NTHL1 Tumor Syndrome. Identifiers: Orphanet 220460, Orphanet 454840, MedGen C4225157, MONDO:0014630, OMIM 616415.
Hereditary cancer-predisposing syndrome. Also called: Tumor predisposition; Neoplastic Syndromes, Hereditary; Hereditary Cancer Syndrome; Hereditary neoplastic syndrome. Identifiers: Orphanet 140162, MedGen C0027672, MeSH D009386, MONDO:0015356.

Allele frequency attached by ClinVar (database versions not stated): TOPMed 0.00002.
gnomAD v4.1: 38 of 1,612,338 alleles (0.0024%); highest among the groups gnomAD compares: East Asian, 0.08%; no homozygotes.

Submissions (5):

Labcorp Genetics (formerly Invitae), Labcorp
Classification: Uncertain significance. Last evaluated: 2026-01-27. Review status: criteria provided, single submitter. Criteria: Invitae Variant Classification Sherloc (09022015). Collection method: clinical testing. Allele origin: germline.
Comment: This sequence change replaces arginine, which is basic and polar, with proline, which is neutral and non-polar, at codon 157 of the NTHL1 protein (p.Arg157Pro). This variant is present in population databases (rs150437839, gnomAD 0.09%). This variant has not been reported in the literature in individuals affected with NTHL1-related conditions. ClinVar contains an entry for this variant (Variation ID: 660301). An algorithm developed to predict the effect of missense changes on protein structure and function (PolyPhen-2) suggests that this variant is likely to be tolerated. In summary, the available evidence is currently insufficient to determine the role of this variant in disease. Therefore, it has been classified as a Variant of Uncertain Significance.

Baylor Genetics
Classification: Uncertain significance for Familial adenomatous polyposis 3. Last evaluated: 2024-03-03. Review status: criteria provided, single submitter. Criteria: ACMG Guidelines, 2015. Collection method: clinical testing. Allele origin: unknown.

Quest Diagnostics Nichols Institute San Juan Capistrano
Classification: Uncertain significance. Last evaluated: 2023-08-03. Review status: criteria provided, single submitter. Criteria: Quest Diagnostics criteria. Collection method: clinical testing. Allele origin: unknown.
Comment: The frequency of this variant in the general population, 0.00098 (18/18316 chromosomes (Genome Aggregation Database)), is uninformative in the assessment of its pathogenicity. Analysis of this variant using bioinformatics tools for the prediction of the effect of amino acid changes on protein structure and function yielded conflicting predictions that this variant is benign or damaging. Based on the available information, we are unable to determine the clinical significance of this variant.

GeneDx
Classification: Uncertain significance. Last evaluated: 2023-07-17. Review status: criteria provided, single submitter. Criteria: GeneDx Variant Classification Process June 2021. Collection method: clinical testing. Allele origin: germline. Affected: yes.
Comment: In silico analysis, which includes protein predictors and evolutionary conservation, supports that this variant does not alter protein structure/function; Observed in an individual with breast cancer in published literature (Li et al., 2021); This variant is associated with the following publications: (PMID: 33980861)

Ambry Genetics
Classification: Likely benign for Hereditary cancer-predisposing syndrome. Last evaluated: 2021-12-14. Review status: criteria provided, single submitter. Criteria: Ambry Variant Classification Scheme 2023. Collection method: clinical testing. Allele origin: germline.

Literature cited by the submitters: PubMed 33980861 (cited by Quest Diagnostics Nichols Institute San Juan Capistrano and Ambry Genetics).